The following is an entry in ClinVar:

ClinVar aggregate classification (germline): Uncertain significance (1 of 4 stars; one submission).

Conditions:
Neuronopathy, distal hereditary motor, type 7A. Also called: Neuronopathy, distal hereditary motor, type viia; HARPER-YOUNG MYOPATHY; HMN VIIA; SPINAL MUSCULAR ATROPHY, DISTAL, WITH VOCAL CORD PARALYSIS; NEURONOPATHY, DISTAL HEREDITARY MOTOR, HARDING TYPE VIIA; NEUROPATHY, DISTAL HEREDITARY MOTOR, HARDING TYPE VIIA. Identifiers: Orphanet 139589, MedGen C1834703, MONDO:0008024, OMIM 158580.
Congenital myasthenic syndrome 20. Also called: Myasthenic syndrome, congenital, 20, presynaptic. Identifiers: MedGen C4310694, MONDO:0014939, OMIM 617143.

Allele frequency attached by ClinVar (database versions not stated): gnomAD exomes below 0.00001.
gnomAD v4.1: 1 of 1,614,120 alleles (0.000062%); highest among the groups gnomAD compares: Non-Finnish European, 0.000085%; no homozygotes.

Submission:

Labcorp Genetics (formerly Invitae), Labcorp
Classification: Uncertain significance for Neuronopathy, distal hereditary motor, type 7A; Congenital myasthenic syndrome 20. Last evaluated: 2021-12-14. Review status: criteria provided, single submitter. Criteria: Invitae Variant Classification Sherloc (09022015). Collection method: clinical testing. Allele origin: germline.
Comment: This sequence change replaces alanine, which is neutral and non-polar, with valine, which is neutral and non-polar, at codon 25 of the SLC5A7 protein (p.Ala25Val). This variant is not present in population databases (gnomAD no frequency). This variant has not been reported in the literature in individuals affected with SLC5A7-related conditions. Algorithms developed to predict the effect of missense changes on protein structure and function are either unavailable or do not agree on the potential impact of this missense change (SIFT: "Deleterious"; PolyPhen-2: "Possibly Damaging"; Align-GVGD: "Class C0"). In summary, the available evidence is currently insufficient to determine the role of this variant in disease. Therefore, it has been classified as a Variant of Uncertain Significance.

NM_021815.5(SLC5A7):c.74C>T (p.Ala25Val)

Gene: SLC5A7 (solute carrier family 5 member 7; plus strand). Cytogenetic location: 2q12.3.
Variant type: single nucleotide variant.
Coding change: c.74C>T on transcript NM_021815.5 (MANE Select); coding-DNA position 74, C replaced by T.
Protein change: p.Ala25Val; replaces alanine 25 with valine.
Molecular consequence: missense variant. On other transcripts: 5 prime UTR variant (1), intron variant (1).
Genome position (GRCh38, 1-based): chr2:107,988,229, C>T. VCF-style: chr2-107988229-C-T. GRCh37 (hg19) VCF-style: chr2-108604685-C-T.
Other names: c.74C>T, p.Ala25Val (NM_001305005.3); c.-631C>T (NM_001305007.3); c.-138+1466C>T (NM_001305006.3); short protein forms A25V.
Identifiers: ClinVar variation 1436453 (VCV001436453.6), dbSNP rs2104332660, ClinGen allele CA348019643.